The following is an entry in ClinVar:

ClinVar aggregate classification (germline): Uncertain significance (1 of 4 stars; one submission).

Submission:

Labcorp Genetics (formerly Invitae), Labcorp
Classification: Uncertain significance. Last evaluated: 2025-03-30. Review status: criteria provided, single submitter. Criteria: Invitae Variant Classification Sherloc (09022015). Collection method: clinical testing. Allele origin: germline.
Comment: This sequence change replaces asparagine, which is neutral and polar, with lysine, which is basic and polar, at codon 4 of the WFS1 protein (p.Asn4Lys). This variant is not present in population databases (gnomAD no frequency). This variant has not been reported in the literature in individuals affected with WFS1-related conditions. Invitae Evidence Modeling of protein sequence and biophysical properties (such as structural, functional, and spatial information, amino acid conservation, physicochemical variation, residue mobility, and thermodynamic stability) indicates that this missense variant is not expected to disrupt WFS1 protein function with a negative predictive value of 95%. In summary, the available evidence is currently insufficient to determine the role of this variant in disease. Therefore, it has been classified as a Variant of Uncertain Significance.

NM_006005.3(WFS1):c.12C>G (p.Asn4Lys)

Gene: WFS1 (wolframin ER transmembrane glycoprotein; plus strand). Cytogenetic location: 4p16.1.
Variant type: single nucleotide variant.
Coding change: c.12C>G on transcript NM_006005.3 (MANE Select); coding-DNA position 12, C replaced by G.
Protein change: p.Asn4Lys; replaces asparagine 4 with lysine.
Molecular consequence: missense variant.
Genome position (GRCh38, 1-based): chr4:6,277,467, C>G. VCF-style: chr4-6277467-C-G. GRCh37 (hg19) VCF-style: chr4-6279194-C-G.
Other names: c.12C>G, p.Asn4Lys (NM_001145853.1); short protein forms N4K.
Identifiers: ClinVar variation 4802681 (VCV004802681.1).